The following is an entry in ClinVar:

NM_024757.5(EHMT1):c.109delinsAT (p.Gly37fs)

Gene: EHMT1 (euchromatic histone lysine methyltransferase 1; plus strand). Cytogenetic location: 9q34.3.
Variant type: Indel.
Coding change: c.109delinsAT on transcript NM_024757.5 (MANE Select); coding-DNA position 109, G replaced by AT.
Protein change: p.Gly37fs; shifts the reading frame from glycine 37.
Molecular consequence: frameshift variant.
Genome position (GRCh38, 1-based): chr9:137,716,649, G replaced by AT. VCF-style: chr9-137716649-G-AT. GRCh37 (hg19) VCF-style: chr9-140611101-G-AT.
Other names: c.109delGinsAT (NM_024757.5); c.109delinsAT, p.Gly37fs (NM_001145527.2, NM_001354263.2, NM_001354611.2); c.16delinsAT, p.Gly6fs (NM_001354259.2, NM_001354612.2); short protein forms G37fs, G6fs.
Identifiers: ClinVar variation 3236902 (VCV003236902.1).
Genomic context (GRCh38, chr9:137,716,649, plus strand): 5'-GGCCTGCAGTCAGTGACACTCGTTTCTTTGTTGGCAGAGACACCTATGGCTGCCGATGAA[G>AT]GCTCAGCAGAGAAACAGGCAGGAGAGGCCCACATGGCTGCGGACGGTGAGACCAATGGGT-3'

ClinVar aggregate classification (germline): Pathogenic (1 of 4 stars; one submission).

Conditions:
Kleefstra syndrome 1 (KLEFS1). Identifiers: Orphanet 261494, MedGen C0795833, MONDO:0027407, OMIM 610253.

Submission:

Laboratory of Genetics, Children's Clinical University Hospital Latvia
Classification: Pathogenic for Kleefstra syndrome 1. Review status: criteria provided, single submitter. Criteria: ACMG Guidelines, 2015. Collection method: curation. Allele origin: germline. Affected: yes.
Comment: Inheritance unknown

Literature cited by the submitters: PubMed 39013458.